The following is an entry in ClinVar:

ClinVar aggregate classification (germline): Uncertain significance (1 of 4 stars; one submission).

Conditions:
Hereditary cancer-predisposing syndrome. Also called: Neoplastic Syndromes, Hereditary; Hereditary Cancer Syndrome; Tumor predisposition; Hereditary neoplastic syndrome. Identifiers: Orphanet 140162, MedGen C0027672, MeSH D009386, MONDO:0015356.

Submission:

Ambry Genetics
Classification: Uncertain significance for Hereditary cancer-predisposing syndrome. Last evaluated: 2025-02-18. Review status: criteria provided, single submitter. Criteria: Ambry Variant Classification Scheme 2023. Collection method: clinical testing. Allele origin: germline.
Comment: The p.F66L variant (also known as c.198T>G), located in coding exon 2 of the RAD50 gene, results from a T to G substitution at nucleotide position 198. The phenylalanine at codon 66 is replaced by leucine, an amino acid with highly similar properties. This amino acid position is conserved. In addition, the in silico prediction for this alteration is inconclusive. Based on the available evidence, the clinical significance of this variant remains unclear.

NM_005732.4(RAD50):c.198T>G (p.Phe66Leu)

Gene: RAD50 (RAD50 double strand break repair protein; plus strand). Cytogenetic location: 5q31.1.
Variant type: single nucleotide variant.
Coding change: c.198T>G on transcript NM_005732.4 (MANE Select); coding-DNA position 198, T replaced by G.
Protein change: p.Phe66Leu; replaces phenylalanine 66 with leucine.
Molecular consequence: missense variant.
Genome position (GRCh38, 1-based): chr5:132,559,352, T>G. VCF-style: chr5-132559352-T-G. GRCh37 (hg19) VCF-style: chr5-131895044-T-G.
Other names: short protein forms F66L.
Identifiers: ClinVar variation 3786315 (VCV003786315.1).
Genomic context (GRCh38, chr5:132,559,352, plus strand): 5'-TGAATGTCTAAAATATATTTGTACTGGAGATTTCCCTCCTGGAACCAAAGGAAATACATT[T>G]GTACACGATCCCAAGGTAATGGTGCTAGTACAATTTTGTATTTTTATAATTATAAAAATG-3'
Protein context (NP_005723.2, residues 56-76): DFPPGTKGNT[Phe66Leu]VHDPKVAQET